The following is an entry in ClinVar:

ClinVar aggregate classification (germline): Conflicting classifications of pathogenicity. Review status: criteria provided, conflicting classifications (1 of 4 stars). 4 submissions from 4 submitters: Uncertain significance (2); Likely benign (1). 1 of the submissions does not count toward it. Last evaluated 2023-03-23.

Conditions:
Hereditary cancer-predisposing syndrome. Also called: Tumor predisposition; Hereditary Cancer Syndrome; Neoplastic Syndromes, Hereditary; Hereditary neoplastic syndrome. Identifiers: Orphanet 140162, MedGen C0027672, MeSH D009386, MONDO:0015356.
Breast-ovarian cancer, familial, susceptibility to, 2 (BROVCA2). Also called: BRCA2 Hereditary Breast and Ovarian Cancer. Identifiers: Orphanet 145, MedGen C2675520, MONDO:0012933, OMIM 612555. Disease mechanism: loss of function.

Submissions (4):

University of Washington Department of Laboratory Medicine, University of Washington
Classification: Likely benign for Hereditary cancer-predisposing syndrome. Last evaluated: 2023-03-23. Review status: criteria provided, single submitter. Criteria: Dines et al. (Genet Med. 2020). Collection method: curation. Allele origin: germline.
Comment: Missense variant in a coldspot region where missense variants are very unlikely to be pathogenic (PMID:31911673).

BRCA2 exon 11 coldspot. Reclassification based on statistical prior probability.

Sema4
Classification: Uncertain significance for Hereditary cancer-predisposing syndrome. Last evaluated: 2022-03-10. Review status: criteria provided, single submitter. Criteria: Sema4 Curation Guidelines. Collection method: curation. Allele origin: germline.
Comment: The BRCA2 c.5483A>G (p.K1828R) variant has been reported in heterozygosity in at least one individual with breast cancer (PMID: 33471991). This variant is not reported in the population database Genome Aggregation Database (PMID: 32461654). The variant has been reported in ClinVar (Variation ID: 252839). Functional studies have not been performed, and in silico predictions of the variant's effect on protein function are inconclusive. The evidence is insufficient to meet ACMG/AMP criteria for classifying the variant as benign or pathogenic. Thus, the clinical significance of this variant is currently uncertain.

Women's Health and Genetics/Laboratory Corporation of America, LabCorp
Classification: Uncertain significance. Last evaluated: 2017-09-19. Review status: criteria provided, single submitter. Criteria: LabCorp Variant Classification Summary - May 2015. Collection method: clinical testing. Allele origin: germline.
Comment: Variant summary: The BRCA2 c.5483A>G (p.Lys1828Arg) variant involves the alteration of a non-conserved nucleotide. 4/4 in silico tools predict a benign outcome for this variant (SNPsandGO not captured due to low reliability index). This variant is absent in 245980 control chromosomes. In addition, multiple clinical diagnostic laboratories/reputable databases classified this variant as uncertain significance. The variant of interest has not, to our knowledge, been reported in affected individuals via publications and/or reputable databases/clinical diagnostic laboratories; nor evaluated for functional impact by in vivo/vitro studies. Because of the absence of clinical information and the lack of functional studies, the variant is classified as a variant of uncertain significance (VUS) until additional information becomes available.

Sharing Clinical Reports Project (SCRP)
Classification: Uncertain significance for Breast-ovarian cancer, familial 2. Last evaluated: 2013-05-28. Review status: no assertion criteria provided. Collection method: clinical testing. Allele origin: germline. Not counted in ClinVar's aggregate classification.

Literature cited by the submitters: PubMed 33471991 (cited by Sema4).

NM_000059.4(BRCA2):c.5483A>G (p.Lys1828Arg)

Gene: BRCA2 (BRCA2 DNA repair associated; plus strand). Cytogenetic location: 13q13.1.
Variant type: single nucleotide variant.
Coding change: c.5483A>G on transcript NM_000059.4 (MANE Select); coding-DNA position 5483, A replaced by G.
Protein change: p.Lys1828Arg; replaces lysine 1828 with arginine.
Molecular consequence: missense variant.
Genome position (GRCh38, 1-based): chr13:32,339,838, A>G. VCF-style: chr13-32339838-A-G. GRCh37 (hg19) VCF-style: chr13-32913975-A-G.
Other names: 5711A>G; short protein forms K1828R.
Identifiers: ClinVar variation 252839 (VCV000252839.6), dbSNP rs879255459, ClinGen allele CA10586074.